The following is an entry in ClinVar:

ClinVar aggregate classification (germline): Uncertain significance (1 of 4 stars; one submission).

Conditions:
Immunodeficiency 14 (IMD14A). Also called: p110-DELTA-ACTIVATING MUTATION CAUSING SENESCENT T CELLS, LYMPHADENOPATHY, AND IMMUNODEFICIENCY; IMMUNODEFICIENCY 14A WITH LYMPHOPROLIFERATION, AUTOSOMAL DOMINANT; ACTIVATED PI3K-DELTA SYNDROME 1; Activated PI3K Delta Syndrome Type 1 (APDS1). Identifiers: Orphanet 397596, Orphanet 693661, MedGen C5907821, MONDO:0014222, OMIM 615513.

Allele frequency attached by ClinVar (database versions not stated): gnomAD exomes below 0.00001; ExAC 0.00002; TOPMed 0.00002; gnomAD 0.00003; ESP Exome Variant Server 0.00008.

Submission:

Labcorp Genetics (formerly Invitae), Labcorp
Classification: Uncertain significance for Activated PI3K-delta syndrome. Last evaluated: 2024-06-12. Review status: criteria provided, single submitter. Criteria: Invitae Variant Classification Sherloc (09022015). Collection method: clinical testing. Allele origin: germline.
Comment: This sequence change replaces alanine, which is neutral and non-polar, with glycine, which is neutral and non-polar, at codon 335 of the PIK3CD protein (p.Ala335Gly). This variant is present in population databases (rs373890620, gnomAD 0.02%). This variant has not been reported in the literature in individuals affected with PIK3CD-related conditions. Advanced modeling of protein sequence and biophysical properties (such as structural, functional, and spatial information, amino acid conservation, physicochemical variation, residue mobility, and thermodynamic stability) has been performed at Invitae for this missense variant, however the output from this modeling did not meet the statistical confidence thresholds required to predict the impact of this variant on PIK3CD protein function. In summary, the available evidence is currently insufficient to determine the role of this variant in disease. Therefore, it has been classified as a Variant of Uncertain Significance.

NM_005026.5(PIK3CD):c.1004C>G (p.Ala335Gly)

Gene: PIK3CD (phosphatidylinositol-4,5-bisphosphate 3-kinase catalytic subunit delta; plus strand). Cytogenetic location: 1p36.22.
Variant type: single nucleotide variant.
Coding change: c.1004C>G on transcript NM_005026.5 (MANE Select); coding-DNA position 1004, C replaced by G.
Protein change: p.Ala335Gly; replaces alanine 335 with glycine.
Molecular consequence: missense variant.
Genome position (GRCh38, 1-based): chr1:9,717,610, C>G. VCF-style: chr1-9717610-C-G. GRCh37 (hg19) VCF-style: chr1-9777668-C-G.
Other names: c.1004C>G, p.Ala335Gly (NM_001350234.2); c.917C>G, p.Ala306Gly (NM_001350235.1); short protein forms A306G, A335G.
Identifiers: ClinVar variation 2803537 (VCV002803537.3), dbSNP rs373890620, ClinGen allele CA577048.